The following is an entry in ClinVar:

ClinVar aggregate classification (germline): Uncertain significance (1 of 4 stars; one submission).

gnomAD v4.1: 7 of 1,598,948 alleles (0.00044%); highest among the groups gnomAD compares: Non-Finnish European, 0.00059%; no homozygotes.

Submission:

Mayo Clinic Laboratories, Mayo Clinic
Classification: Uncertain significance. Last evaluated: 2023-04-28. Review status: criteria provided, single submitter. Criteria: ACMG Guidelines, 2015. Collection method: clinical testing. Allele origin: germline. Observed: 1 variant allele.
Comment: PM2

NM_201384.3(PLEC):c.5723G>T (p.Arg1908Leu)

Gene: PLEC (plectin; minus strand). Cytogenetic location: 8q24.3.
Variant type: single nucleotide variant.
Coding change: c.5723G>T on transcript NM_201384.3 (MANE Select); coding-DNA position 5723, G replaced by T.
Protein change: p.Arg1908Leu; replaces arginine 1908 with leucine.
Molecular consequence: missense variant. On other transcripts: intron variant (1).
Genome position (GRCh38, 1-based): chr8:143,924,206, C>A on the plus strand (G>T on the coding strand, the complement: PLEC is on the minus strand). VCF-style: chr8-143924206-C-A. GRCh37 (hg19) VCF-style: chr8-144998374-C-A.
Other names: p.Arg1935Leu; c.5657G>T, p.Arg1886Leu (NM_201379.3); c.6134G>T, p.Arg2045Leu (NM_201380.4); c.5627G>T, p.Arg1876Leu (NM_201381.3); c.5723G>T, p.Arg1908Leu (NM_201382.4); c.5735G>T, p.Arg1912Leu (NM_201383.3); c.4126-1811G>T (NM_001410941.1); c.5804G>T, p.Arg1935Leu (NM_000445.5); and 1 more; short protein forms R1876L, R1886L, R1894L, R1908L, R1912L, R1935L, R2045L.
Identifiers: ClinVar variation 2683032 (VCV002683032.1), dbSNP rs369142466, ClinGen allele CA372542123.